The following is an entry in ClinVar:

NM_006005.3(WFS1):c.1457A>T (p.Gln486Leu)

Gene: WFS1 (wolframin ER transmembrane glycoprotein; plus strand). Cytogenetic location: 4p16.1.
Variant type: single nucleotide variant.
Coding change: c.1457A>T on transcript NM_006005.3 (MANE Select); coding-DNA position 1457, A replaced by T.
Protein change: p.Gln486Leu; replaces glutamine 486 with leucine.
Molecular consequence: missense variant.
Genome position (GRCh38, 1-based): chr4:6,301,252, A>T. VCF-style: chr4-6301252-A-T. GRCh37 (hg19) VCF-style: chr4-6302979-A-T.
Other names: c.1457A>T, p.Gln486Leu (NM_001145853.1); short protein forms Q486L.
Identifiers: ClinVar variation 1386510 (VCV001386510.6), dbSNP rs2109125944, ClinGen allele CA356175038.

ClinVar aggregate classification (germline): Uncertain significance (1 of 4 stars; one submission).

Submission:

Labcorp Genetics (formerly Invitae), Labcorp
Classification: Uncertain significance. Last evaluated: 2024-02-24. Review status: criteria provided, single submitter. Criteria: Invitae Variant Classification Sherloc (09022015). Collection method: clinical testing. Allele origin: germline.
Comment: This sequence change replaces glutamine, which is neutral and polar, with leucine, which is neutral and non-polar, at codon 486 of the WFS1 protein (p.Gln486Leu). This variant is not present in population databases (gnomAD no frequency). This variant has not been reported in the literature in individuals affected with WFS1-related conditions. ClinVar contains an entry for this variant (Variation ID: 1386510). Advanced modeling of protein sequence and biophysical properties (such as structural, functional, and spatial information, amino acid conservation, physicochemical variation, residue mobility, and thermodynamic stability) performed at Invitae indicates that this missense variant is not expected to disrupt WFS1 protein function with a negative predictive value of 95%. In summary, the available evidence is currently insufficient to determine the role of this variant in disease. Therefore, it has been classified as a Variant of Uncertain Significance.